The following is an entry in ClinVar:

ClinVar aggregate classification (germline): Uncertain significance (1 of 4 stars; one submission).

Conditions:
Hereditary cancer-predisposing syndrome. Also called: Tumor predisposition; Hereditary Cancer Syndrome; Hereditary neoplastic syndrome; Neoplastic Syndromes, Hereditary. Identifiers: Orphanet 140162, MedGen C0027672, MeSH D009386, MONDO:0015356.

Allele frequency attached by ClinVar (database versions not stated): gnomAD 0.00001.

Submission:

Ambry Genetics
Classification: Uncertain significance for Hereditary cancer-predisposing syndrome. Last evaluated: 2024-04-01. Review status: criteria provided, single submitter. Criteria: Ambry Variant Classification Scheme 2023. Collection method: clinical testing. Allele origin: germline.
Comment: The p.I740T variant (also known as c.2219T>C), located in coding exon 14 of the RAD50 gene, results from a T to C substitution at nucleotide position 2219. The isoleucine at codon 740 is replaced by threonine, an amino acid with similar properties. This nucleotide position is well conserved in available vertebrate species. This amino acid position is not well conserved in available vertebrate species. In addition, this alteration is predicted to be tolerated by in silico analysis. Since supporting evidence is limited at this time, the clinical significance of this alteration remains unclear.

NM_005732.4(RAD50):c.2219T>C (p.Ile740Thr)

Gene: RAD50 (RAD50 double strand break repair protein; plus strand). Cytogenetic location: 5q31.1.
Variant type: single nucleotide variant.
Coding change: c.2219T>C on transcript NM_005732.4 (MANE Select); coding-DNA position 2219, T replaced by C.
Protein change: p.Ile740Thr; replaces isoleucine 740 with threonine.
Molecular consequence: missense variant.
Genome position (GRCh38, 1-based): chr5:132,603,311, T>C. VCF-style: chr5-132603311-T-C. GRCh37 (hg19) VCF-style: chr5-131939003-T-C.
Other names: short protein forms I740T.
Identifiers: ClinVar variation 486268 (VCV000486268.6), dbSNP rs1554099079, ClinGen allele CA360953082.
Genomic context (GRCh38, chr5:132,603,311, plus strand): 5'-ACTGTGAGAAACATCAGATACTTTATTTTTAATTGTGTTTTCTATTTAGGCAAAGCATAA[T>C]TGATTTGAAGGAGAAGGAAATACCAGAATTAAGAAACAAACTGCAGAATGTCAATAGAGA-3'
Protein context (NP_005723.2, residues 730-750): LGLVPMRQSI[Ile740Thr]DLKEKEIPEL